The following is an entry in ClinVar:

ClinVar aggregate classification (germline): Pathogenic (1 of 4 stars; one submission).

Conditions:
Hereditary cancer-predisposing syndrome. Also called: Neoplastic Syndromes, Hereditary; Tumor predisposition; Hereditary Cancer Syndrome; Hereditary neoplastic syndrome. Identifiers: Orphanet 140162, MedGen C0027672, MeSH D009386, MONDO:0015356.

Submission:

Ambry Genetics
Classification: Pathogenic for Hereditary cancer-predisposing syndrome. Last evaluated: 2019-12-04. Review status: criteria provided, single submitter. Criteria: Ambry Variant Classification Scheme 2023. Collection method: clinical testing. Allele origin: germline.
Comment: The c.6727_6728insAGT pathogenic mutation (also known as p.D2242_S2243ins*), located in coding exon 10 of the BRCA2 gene, results from an in-frame AGT insertion at nucleotide positions 6727 to 6728. This results in the insertion of stop codon at codon 2243. This alteration is expected to result in loss of function by premature protein truncation or nonsense-mediated mRNA decay. As such, this alteration is interpreted as a disease-causing mutation.

NM_000059.4(BRCA2):c.6727_6728insAGT (p.Ser2243Ter)

Gene: BRCA2 (BRCA2 DNA repair associated; plus strand). Cytogenetic location: 13q13.1.
Variant type: Insertion.
Coding change: c.6727_6728insAGT on transcript NM_000059.4 (MANE Select); coding-DNA positions 6727 to 6728, AGT inserted.
Protein change: p.Ser2243Ter; replaces serine 2243 with a stop codon.
Molecular consequence: nonsense.
Genome position: GRCh38 VCF-style: chr13-32341081-T-TTAG. GRCh37 (hg19) VCF-style: chr13-32915218-T-TTAG.
Other names: c.6727_6728insAGT, p.Ser2243_Gly2577delinsTer (NM_001406719.1); c.6727_6728insAGT, p.Ser2243_Lys2577delinsTer (NM_001406720.1); short protein forms S2243*.
Identifiers: ClinVar variation 1755106 (VCV001755106.2), dbSNP rs1566235284, ClinGen allele CA2580088050.